The following is an entry in ClinVar:

ClinVar aggregate classification (germline): Uncertain significance (1 of 4 stars; one submission).

Conditions:
Kabuki syndrome. Also called: NIIKAWA-KUROKI SYNDROME; Kabuki make-up syndrome. Identifiers: Orphanet 2322, MedGen C0796004, MONDO:0016512.

Submission:

Labcorp Genetics (formerly Invitae), Labcorp
Classification: Uncertain significance for Kabuki syndrome. Last evaluated: 2022-02-09. Review status: criteria provided, single submitter. Criteria: Invitae Variant Classification Sherloc (09022015). Collection method: clinical testing. Allele origin: germline.
Comment: Experimental studies and prediction algorithms are not available or were not evaluated, and the functional significance of this variant is currently unknown. In summary, the available evidence is currently insufficient to determine the role of this variant in disease. Therefore, it has been classified as a Variant of Uncertain Significance. This variant has not been reported in the literature in individuals affected with KMT2D-related conditions. This variant, c.6865_6867del, results in the deletion of 1 amino acid(s) of the KMT2D protein (p.Lys2289del), but otherwise preserves the integrity of the reading frame. This variant is not present in population databases (gnomAD no frequency).

NM_003482.4(KMT2D):c.6862AAG[1] (p.Lys2289del)

Gene: KMT2D (lysine methyltransferase 2D; minus strand). Cytogenetic location: 12q13.12.
Variant type: Microsatellite.
Coding change: c.6862AAG[1] on transcript NM_003482.4 (MANE Select); one copy of the 3-base unit AAG starting at c.6862; the reference has two copies in a row; one copy, 3 bases deleted.
Protein change: p.Lys2289del; deletes lysine 2289.
Molecular consequence: inframe deletion.
Genome position (GRCh38, 1-based): chr12:49,040,903-49,040,905, CTT deleted on the plus strand (AAG on the coding strand, the reverse complement: KMT2D is on the minus strand); deleting any 3 consecutive bases within chr12:49,040,903-49,040,909 gives the same sequence; the position shown is the placement nearest the transcript's 3' end. VCF-style (leftmost placement, unchanged base first): chr12-49040902-CCTT-C. GRCh37 (hg19) VCF-style: chr12-49434685-CCTT-C.
Other names: short protein forms K2289del.
Identifiers: ClinVar variation 1375457 (VCV001375457.6), dbSNP rs2120537436, ClinGen allele CA2580615192.